The following is an entry in ClinVar:

NM_000038.6(APC):c.163A>T (p.Ile55Phe)

Gene: APC (APC regulator of Wnt signaling pathway; plus strand). Cytogenetic location: 5q22.2.
Variant type: single nucleotide variant.
Coding change: c.163A>T on transcript NM_000038.6 (MANE Select); coding-DNA position 163, A replaced by T.
Protein change: p.Ile55Phe; replaces isoleucine 55 with phenylalanine.
Molecular consequence: missense variant. On other transcripts: 5 prime UTR variant (4).
Genome position (GRCh38, 1-based): chr5:112,766,353, A>T. VCF-style: chr5-112766353-A-T. GRCh37 (hg19) VCF-style: chr5-112102050-A-T.
Other names: c.163A>T, p.Ile55Phe (NM_001354895.2, NM_001354896.2, NM_001127510.3 and 16 more transcripts); c.193A>T, p.Ile65Phe (NM_001354897.2, NM_001127511.3, NM_001354902.2 and 1 more transcripts); c.88A>T, p.Ile30Phe (NM_001354898.2, NM_001354904.2, NM_001407451.1); c.-15A>T (NM_001354900.2, NM_001354901.2, NM_001354905.2 and 1 more transcripts); c.-873A>T (NM_001354906.2, NM_001407470.1, NM_001407471.1 and 1 more transcripts); short protein forms I65F, I30F, I55F.
Identifiers: ClinVar variation 2044638 (VCV002044638.4), dbSNP rs760158426, ClinGen allele CA16021702.

ClinVar aggregate classification (germline): Uncertain significance (1 of 4 stars; one submission).

Conditions:
Familial adenomatous polyposis 1 (FAP1). Also called: FAMILIAL ADENOMATOUS POLYPOSIS 1, ATTENUATED; POLYPOSIS, ADENOMATOUS INTESTINAL. Identifiers: MedGen C2713442, MONDO:0021056, OMIM 175100. Disease mechanism: loss of function.

Submission:

Labcorp Genetics (formerly Invitae), Labcorp
Classification: Uncertain significance for Familial adenomatous polyposis 1. Last evaluated: 2021-12-17. Review status: criteria provided, single submitter. Criteria: Invitae Variant Classification Sherloc (09022015). Collection method: clinical testing. Allele origin: germline.
Comment: In summary, the available evidence is currently insufficient to determine the role of this variant in disease. Therefore, it has been classified as a Variant of Uncertain Significance. Algorithms developed to predict the effect of missense changes on protein structure and function are either unavailable or do not agree on the potential impact of this missense change (SIFT: "Deleterious"; PolyPhen-2: "Probably Damaging"; Align-GVGD: "Class C0"). This variant has not been reported in the literature in individuals affected with APC-related conditions. This variant is not present in population databases (gnomAD no frequency). This sequence change replaces isoleucine, which is neutral and non-polar, with phenylalanine, which is neutral and non-polar, at codon 55 of the APC protein (p.Ile55Phe).